The following is an entry in ClinVar:

ClinVar aggregate classification (germline): Pathogenic (1 of 4 stars; one submission).

Submission:

Labcorp Genetics (formerly Invitae), Labcorp
Classification: Pathogenic. Last evaluated: 2022-04-16. Review status: criteria provided, single submitter. Criteria: Invitae Variant Classification Sherloc (09022015). Collection method: clinical testing. Allele origin: germline.
Comment: This premature translational stop signal has been observed in individual(s) with MERTK-related conditions (PMID: 29659094). This variant is not present in population databases (gnomAD no frequency). This sequence change creates a premature translational stop signal (p.Pro313Argfs*15) in the MERTK gene. It is expected to result in an absent or disrupted protein product. Loss-of-function variants in MERTK are known to be pathogenic (PMID: 24265693, 29659094). For these reasons, this variant has been classified as Pathogenic.

Literature cited by the submitters: PubMed 29659094; PubMed 24265693.

NM_006343.3(MERTK):c.938del (p.Pro313fs)

Gene: MERTK (MER proto-oncogene, tyrosine kinase; plus strand). Cytogenetic location: 2q13.
Variant type: Deletion.
Coding change: c.938del on transcript NM_006343.3 (MANE Select); coding-DNA position 938, one base deleted (C; older notation c.938delC).
Protein change: p.Pro313fs; shifts the reading frame from proline 313.
Molecular consequence: frameshift variant.
Genome position (GRCh38, 1-based): chr2:111,968,230, C deleted; the last of 4 consecutive C bases (chr2:111,968,227-111,968,230); deleting any one gives the same sequence. VCF-style (leftmost placement, unchanged base first): chr2-111968226-TC-T. GRCh37 (hg19) VCF-style: chr2-112725803-TC-T.
Other names: short protein forms P313fs.
Identifiers: ClinVar variation 2126653 (VCV002126653.4), dbSNP rs2466815026, ClinGen allele CA2580063753.